The following is an entry in ClinVar:

NM_001365276.2(TNXB):c.6931G>T (p.Val2311Leu)

Gene: TNXB (tenascin XB; minus strand). Cytogenetic location: 6p21.33.
Variant type: single nucleotide variant.
Coding change: c.6931G>T on transcript NM_001365276.2 (MANE Select); coding-DNA position 6931, G replaced by T.
Protein change: p.Val2311Leu; replaces valine 2311 with leucine.
Molecular consequence: missense variant.
Genome position (GRCh38, 1-based): chr6:32,062,394, C>A on the plus strand (G>T on the coding strand, the complement: TNXB is on the minus strand). VCF-style: chr6-32062394-C-A. GRCh37 (hg19) VCF-style: chr6-32030171-C-A.
Other names: c.6931G>T, p.Val2311Leu (NM_019105.8); short protein forms V2311L.
Identifiers: ClinVar variation 1756215 (VCV001756215.2), dbSNP rs777077674, ClinGen allele CA363554444.

ClinVar aggregate classification (germline): Uncertain significance (1 of 4 stars; one submission).

Conditions:
Cardiovascular phenotype. Identifiers: MedGen CN230736.

Submission:

Ambry Genetics
Classification: Uncertain significance for Cardiovascular phenotype. Last evaluated: 2020-12-07. Review status: criteria provided, single submitter. Criteria: Ambry Variant Classification Scheme 2023. Collection method: clinical testing. Allele origin: germline.
Comment: The p.V2311L variant (also known as c.6931G>T), located in coding exon 19 of the TNXB gene, results from a G to T substitution at nucleotide position 6931. The valine at codon 2311 is replaced by leucine, an amino acid with highly similar properties. This amino acid position is well conserved in available vertebrate species; however, leucine is the reference amino acid in other vertebrate species. In addition, this alteration is predicted to be tolerated by in silico analysis. Since supporting evidence is limited at this time, the clinical significance of this alteration remains unclear.